The following is an entry in ClinVar:

NM_000135.4(FANCA):c.1535C>G (p.Ser512Ter)

Gene: FANCA (FA complementation group A; minus strand). Cytogenetic location: 16q24.3.
Variant type: single nucleotide variant.
Coding change: c.1535C>G on transcript NM_000135.4 (MANE Select); coding-DNA position 1535, C replaced by G.
Protein change: p.Ser512Ter; replaces serine 512 with a stop codon.
Molecular consequence: nonsense.
Genome position (GRCh38, 1-based): chr16:89,783,038, G>C on the plus strand (C>G on the coding strand, the complement: FANCA is on the minus strand). VCF-style: chr16-89783038-G-C. GRCh37 (hg19) VCF-style: chr16-89849446-G-C.
Other names: c.1535C>G, p.Ser512Ter (NM_001286167.3); short protein forms S512*.
Identifiers: ClinVar variation 974313 (VCV000974313.2), dbSNP rs2039774778, ClinGen allele CA397458109.

ClinVar aggregate classification (germline): Likely pathogenic. Review status: criteria provided, single submitter (1 of 4 stars). 2 submissions from 2 submitters: Likely pathogenic (1). 1 of the submissions does not count toward it. Last evaluated 2024-02-10.

Conditions:
Fanconi anemia complementation group A (FANCA). Also called: Fanconi anemia, group A; FANCA-Related Fanconi Anemia. Identifiers: Orphanet 84, MedGen C3469521, MONDO:0009215, OMIM 227650.

Submissions (2):

Fulgent Genetics
Classification: Likely pathogenic for Fanconi anemia complementation group A. Last evaluated: 2024-02-10. Review status: criteria provided, single submitter. Criteria: ACMG Guidelines, 2015. Collection method: clinical testing. Allele origin: germline.

Leiden Open Variation Database
Classification: Uncertain significance for Fanconi anemia complementation group A. Last evaluated: 2020-02-28. Review status: no assertion criteria provided. Collection method: curation. Allele origin: germline. Affected: yes. Not counted in ClinVar's aggregate classification.
Comment: Curator: Arleen D. Auerbach. Submitter to LOVD: Arleen D. Auerbach.